The following is an entry in ClinVar:

ClinVar aggregate classification (germline): Likely benign. Review status: criteria provided, multiple submitters, no conflicts (2 of 4 stars). 2 submissions from 2 submitters: Likely benign (2). Last evaluated 2025-08-12.

Allele frequency attached by ClinVar (database versions not stated): gnomAD exomes below 0.00001; ExAC 0.00001.
gnomAD v4.1: 2 of 1,609,390 alleles (0.00012%); highest among the groups gnomAD compares: Admixed American, 0.0017%; no homozygotes.

Submissions (2):

Mayo Clinic Laboratories, Mayo Clinic
Classification: Likely benign. Last evaluated: 2025-08-12. Review status: criteria provided, single submitter. Criteria: ACMG Guidelines, 2015. Collection method: clinical testing. Allele origin: germline. Observed: 1 variant allele.
Comment: BP4, BP7

Labcorp Genetics (formerly Invitae), Labcorp
Classification: Likely benign. Last evaluated: 2022-08-12. Review status: criteria provided, single submitter. Criteria: Invitae Variant Classification Sherloc (09022015). Collection method: clinical testing. Allele origin: germline.

NM_001195518.2(MICU1):c.777C>T (p.Arg259=)

Gene: MICU1 (mitochondrial calcium uptake 1; minus strand). Cytogenetic location: 10q22.1.
Variant type: single nucleotide variant.
Coding change: c.777C>T on transcript NM_001195518.2 (MANE Select); coding-DNA position 777, C replaced by T.
Protein change: p.Arg259=; no amino-acid change (arginine 259 retained).
Molecular consequence: synonymous variant.
Genome position (GRCh38, 1-based): chr10:72,475,256, G>A on the plus strand (C>T on the coding strand, the complement: MICU1 is on the minus strand). VCF-style: chr10-72475256-G-A. GRCh37 (hg19) VCF-style: chr10-74235014-G-A.
Other names: p.Arg261=; c.183C>T, p.Arg61= (NM_001195519.2); c.795C>T, p.Arg265= (NM_001363513.2); c.783C>T, p.Arg261= (NM_006077.4); c.783C>T (NM_006077.3).
Identifiers: ClinVar variation 2059027 (VCV002059027.5), dbSNP rs765134846, ClinGen allele CA5550153.